The following is an entry in ClinVar:

ClinVar aggregate classification (germline): Uncertain significance. Review status: criteria provided, multiple submitters, no conflicts (2 of 4 stars). 2 submissions from 2 submitters: Uncertain significance (2). Last evaluated 2025-03-17.

Conditions:
Hereditary cancer-predisposing syndrome. Also called: Hereditary Cancer Syndrome; Tumor predisposition; Hereditary neoplastic syndrome; Neoplastic Syndromes, Hereditary. Identifiers: Orphanet 140162, MedGen C0027672, MeSH D009386, MONDO:0015356.
Familial cancer of breast. Also called: hereditary breast carcinoma; Hereditary breast cancer; BREAST CANCER, FAMILIAL. Identifiers: Orphanet 227535, MedGen C0346153, MONDO:0016419, OMIM 114480. Disease mechanism: loss of function.

gnomAD v4.1: 1 of 1,608,448 alleles (0.000062%); highest among the groups gnomAD compares: Non-Finnish European, 0.000085%; no homozygotes.

Submissions (2):

Ambry Genetics
Classification: Uncertain significance for Hereditary cancer-predisposing syndrome. Last evaluated: 2025-03-17. Review status: criteria provided, single submitter. Criteria: Ambry Variant Classification Scheme 2023. Collection method: clinical testing. Allele origin: germline.
Comment: The p.K75N variant (also known as c.225A>T), located in coding exon 4 of the PALB2 gene, results from an A to T substitution at nucleotide position 225. The lysine at codon 75 is replaced by asparagine, an amino acid with similar properties. This amino acid position is conserved. In addition, this alteration is predicted to be tolerated by in silico analysis. Since supporting evidence is limited at this time, the clinical significance of this alteration remains unclear.

Labcorp Genetics (formerly Invitae), Labcorp
Classification: Uncertain significance for Familial cancer of breast. Last evaluated: 2024-08-03. Review status: criteria provided, single submitter. Criteria: Invitae Variant Classification Sherloc (09022015). Collection method: clinical testing. Allele origin: germline.
Comment: This sequence change replaces lysine, which is basic and polar, with asparagine, which is neutral and polar, at codon 75 of the PALB2 protein (p.Lys75Asn). This variant is not present in population databases (gnomAD no frequency). This variant has not been reported in the literature in individuals affected with PALB2-related conditions. ClinVar contains an entry for this variant (Variation ID: 1040748). An algorithm developed to predict the effect of missense changes on protein structure and function (PolyPhen-2) suggests that this variant is likely to be tolerated. In summary, the available evidence is currently insufficient to determine the role of this variant in disease. Therefore, it has been classified as a Variant of Uncertain Significance.

NM_024675.4(PALB2):c.225A>T (p.Lys75Asn)

Gene: PALB2 (partner and localizer of BRCA2; minus strand). Cytogenetic location: 16p12.2.
Variant type: single nucleotide variant.
Coding change: c.225A>T on transcript NM_024675.4 (MANE Select); coding-DNA position 225, A replaced by T.
Protein change: p.Lys75Asn; replaces lysine 75 with asparagine.
Molecular consequence: missense variant.
Genome position (GRCh38, 1-based): chr16:23,636,321, T>A on the plus strand (A>T on the coding strand, the complement: PALB2 is on the minus strand). VCF-style: chr16-23636321-T-A. GRCh37 (hg19) VCF-style: chr16-23647642-T-A.
Other names: c.225A>T (NM_024675.3); short protein forms K75N.
Identifiers: ClinVar variation 1040748 (VCV001040748.10), dbSNP rs1250453452, ClinGen allele CA395138961.